The following is an entry in ClinVar:

NM_000169.3(GLA):c.443G>A (p.Ser148Asn)

Genes: GLA (galactosidase alpha; minus strand), RPL36A-HNRNPH2 (RPL36A-HNRNPH2 readthrough; plus strand). Cytogenetic location: Xq22.1.
Variant type: single nucleotide variant.
Coding change: c.443G>A on transcript NM_000169.3 (MANE Select); coding-DNA position 443, G replaced by A.
Protein change: p.Ser148Asn; replaces serine 148 with asparagine.
Molecular consequence: missense variant. On other transcripts: non-coding transcript variant (3), intron variant (2).
Genome position (GRCh38, 1-based): chrX:101,401,736, C>T on the plus strand (G>A on the coding strand, the complement: GLA is on the minus strand). VCF-style: chrX-101401736-C-T. GRCh37 (hg19) VCF-style: chrX-100656724-C-T.
Other names: c.566G>A, p.Ser189Asn (NM_001406747.1, NM_001406749.1); c.443G>A, p.Ser148Asn (NM_001406748.1); c.300+6279C>T (NM_001199973.2); c.177+9914C>T (NM_001199974.2); short protein forms S148N, S189N.
Identifiers: ClinVar variation 496827 (VCV000496827.14), dbSNP rs1555985829, ClinGen allele CA16602201.

ClinVar aggregate classification (germline): Pathogenic. Review status: criteria provided, multiple submitters, no conflicts (2 of 4 stars). 4 submissions from 4 submitters: Pathogenic (4). Last evaluated 2026-09-08.

Conditions:
Fabry disease. Also called: GLA DEFICIENCY; Fabry's disease; ALPHA-GALACTOSIDASE A DEFICIENCY; ANDERSON-FABRY DISEASE; CERAMIDE TRIHEXOSIDASE DEFICIENCY; Ceramide trihexosidosis. Identifiers: Orphanet 324, MedGen C0002986, MONDO:0010526, OMIM 301500, HP:0001071. Disease mechanism: Fabry disease is due to inactivating mutations in the X-linked GLA gene resulting in deficiency of the enzyme Alpha Galactosidase-A., loss of function.

Submissions (4):

Genomenon, Inc
Classification: Pathogenic for Fabry disease. Last evaluated: 2026-09-08. Review status: criteria provided, single submitter. Criteria: Genomenon Sequence Variant Interpretation Standards - Updated. Collection method: curation. Allele origin: germline. Affected: yes.
Comment: GLA p.Ser148Asn (c.443G>A) is a missense variant that changes the amino acid at codon 148 from Serine to Asparagine. This variant has been observed in at least one proband with clinical features consistent with Fabry disease (PMID:32784589;38947680;18205205;32843101;15091117;10916280;12938095;39205943;30988410). The variant was found to segregate with disease in at least one affected family (PMID:38947680;18205205;32843101;39205943). At least one functional study has demonstrated a substantial alteration in protein function relative to the wild-type (PMID:21598360;18205205;27657681). It is absent or not present at a significant frequency in gnomAD. In silico models predict that this variant is possibly or probably damaging. In conclusion, we classify GLA p.Ser148Asn (c.443G>A) as a pathogenic variant.

Revvity Omics, Revvity
Classification: Pathogenic. Last evaluated: 2023-09-29. Review status: criteria provided, single submitter. Criteria: ACMG Guidelines, 2015. Collection method: clinical testing. Allele origin: germline.

Labcorp Genetics (formerly Invitae), Labcorp
Classification: Pathogenic for Fabry disease. Last evaluated: 2021-12-18. Review status: criteria provided, single submitter. Criteria: Invitae Variant Classification Sherloc (09022015). Collection method: clinical testing. Allele origin: germline.
Comment: ClinVar contains an entry for this variant (Variation ID: 496827). For these reasons, this variant has been classified as Pathogenic. This variant disrupts the p.Ser148 amino acid residue in GLA. Other variant(s) that disrupt this residue have been determined to be pathogenic (PMID: 10666480, 19387866, 21598360). This suggests that this residue is clinically significant, and that variants that disrupt this residue are likely to be disease-causing. Experimental studies have shown that this missense change affects GLA function (PMID: 18205205, 21598360). Algorithms developed to predict the effect of missense changes on protein structure and function are either unavailable or do not agree on the potential impact of this missense change (SIFT: "Tolerated"; PolyPhen-2: "Probably Damaging"; Align-GVGD: "Class C0"). This missense change has been observed in individual(s) with Fabry disease (PMID: 15091117, 18205205). This variant is not present in population databases (gnomAD no frequency). This sequence change replaces serine, which is neutral and polar, with asparagine, which is neutral and polar, at codon 148 of the GLA protein (p.Ser148Asn).

Eurofins Ntd Llc (ga)
Classification: Pathogenic. Last evaluated: 2017-03-09. Review status: criteria provided, single submitter. Criteria: EGL Classification Definitions 2015. Collection method: clinical testing. Allele origin: germline. Observed: 1 variant allele, 1 hemizygote.

Literature cited by the submitters: PubMed 32784589 (cited by Genomenon, Inc); PubMed 38947680 (cited by Genomenon, Inc); PubMed 18205205 (cited by Genomenon, Inc and Labcorp Genetics (formerly Invitae), Labcorp); PubMed 32843101 (cited by Genomenon, Inc); PubMed 15091117 (cited by Genomenon, Inc and Labcorp Genetics (formerly Invitae), Labcorp); PubMed 10916280 (cited by Genomenon, Inc); PubMed 12938095 (cited by Genomenon, Inc); PubMed 39205943 (cited by Genomenon, Inc); PubMed 30988410 (cited by Genomenon, Inc); PubMed 21598360 (cited by Genomenon, Inc and Labcorp Genetics (formerly Invitae), Labcorp); PubMed 27657681 (cited by Genomenon, Inc); PubMed 10666480 (cited by Labcorp Genetics (formerly Invitae), Labcorp); PubMed 19387866 (cited by Labcorp Genetics (formerly Invitae), Labcorp).